The following is an entry in ClinVar:

ClinVar aggregate classification (germline): Likely benign. Review status: criteria provided, single submitter (1 of 4 stars). 2 submissions from 2 submitters: Likely benign (1). 1 of the submissions does not count toward it. Last evaluated 2024-10-16.

Conditions:
FAT1-related disorder. Also called: FAT1-related condition.

Allele frequency attached by ClinVar (database versions not stated): gnomAD exomes 0.00002; gnomAD 0.00004 and 0.00003; TOPMed 0.00002.
gnomAD v4.1: 38 of 1,613,800 alleles (0.0024%); highest among the groups gnomAD compares: African/African-American, 0.004%; no homozygotes.

Submissions (2):

Labcorp Genetics (formerly Invitae), Labcorp
Classification: Likely benign. Last evaluated: 2024-10-16. Review status: criteria provided, single submitter. Criteria: Invitae Variant Classification Sherloc (09022015). Collection method: clinical testing. Allele origin: germline.

PreventionGenetics, part of Exact Sciences
Classification: Likely benign for FAT1-related condition. Last evaluated: 2019-12-19. Review status: no assertion criteria provided. Collection method: clinical testing. Allele origin: germline. Not counted in ClinVar's aggregate classification.
Comment: This variant is classified as likely benign based on ACMG/AMP sequence variant interpretation guidelines (Richards et al. 2015 PMID: 25741868, with internal and published modifications).

NM_005245.4(FAT1):c.8271C>T (p.Ser2757=)

Gene: FAT1 (FAT atypical cadherin 1; minus strand). Cytogenetic location: 4q35.2.
Variant type: single nucleotide variant.
Coding change: c.8271C>T on transcript NM_005245.4 (MANE Select); coding-DNA position 8271, C replaced by T.
Protein change: p.Ser2757=; no amino-acid change (serine 2757 retained).
Molecular consequence: synonymous variant.
Genome position (GRCh38, 1-based): chr4:186,618,315, G>A on the plus strand (C>T on the coding strand, the complement: FAT1 is on the minus strand). VCF-style: chr4-186618315-G-A. GRCh37 (hg19) VCF-style: chr4-187539469-G-A.
Identifiers: ClinVar variation 738465 (VCV000738465.9), dbSNP rs989485667, ClinGen allele CA112154768.